The following is an entry in ClinVar:

ClinVar aggregate classification (germline): Uncertain significance (1 of 4 stars; one submission).

Submission:

Labcorp Genetics (formerly Invitae), Labcorp
Classification: Uncertain significance. Last evaluated: 2021-02-24. Review status: criteria provided, single submitter. Criteria: Invitae Variant Classification Sherloc (09022015). Collection method: clinical testing. Allele origin: germline.
Comment: In summary, the available evidence is currently insufficient to determine the role of this variant in disease. Therefore, it has been classified as a Variant of Uncertain Significance. Algorithms developed to predict the effect of missense changes on protein structure and function (SIFT, PolyPhen-2, Align-GVGD) all suggest that this variant is likely to be tolerated, but these predictions have not been confirmed by published functional studies and their clinical significance is uncertain. This variant has not been reported in the literature in individuals with GDF1-related conditions. The frequency data for this variant in the population databases is considered unreliable, as metrics indicate insufficient coverage at this position in the ExAC database. This sequence change replaces proline with leucine at codon 159 of the GDF1 protein (p.Pro159Leu). The proline residue is weakly conserved and there is a moderate physicochemical difference between proline and leucine.

NM_001492.6(GDF1):c.476C>T (p.Pro159Leu)

Genes: CERS1 (ceramide synthase 1; minus strand), GDF1 (growth differentiation factor 1; minus strand). Cytogenetic location: 19p13.11.
Variant type: single nucleotide variant.
Coding change: c.476C>T on transcript NM_001492.6 (MANE Select); coding-DNA position 476, C replaced by T.
Protein change: p.Pro159Leu; replaces proline 159 with leucine.
Molecular consequence: missense variant. On other transcripts: 3 prime UTR variant (2).
Genome position (GRCh38, 1-based): chr19:18,869,240, G>A on the plus strand (C>T on the coding strand, the complement: GDF1 is on the minus strand). VCF-style: chr19-18869240-G-A. GRCh37 (hg19) VCF-style: chr19-18980049-G-A.
Other names: c.*1337C>T (NM_001387440.1); c.*745C>T (NM_021267.5); c.476C>T, p.Pro159Leu (NM_001387438.1); short protein forms P159L.
Identifiers: ClinVar variation 1473759 (VCV001473759.8), dbSNP rs1421396867, ClinGen allele CA404863199.